The following is an entry in ClinVar:

ClinVar aggregate classification (germline): Pathogenic (1 of 4 stars; one submission).

Conditions:
Niemann-Pick disease, type C1. Also called: NEUROVISCERAL STORAGE DISEASE WITH VERTICAL SUPRANUCLEAR OPHTHALMOPLEGIA; NIEMANN-PICK DISEASE WITH CHOLESTEROL ESTERIFICATION BLOCK; NIEMANN-PICK DISEASE WITHOUT SPHINGOMYELINASE DEFICIENCY; NIEMANN-PICK DISEASE, CHRONIC NEURONOPATHIC FORM; NIEMANN-PICK DISEASE, VARIANT TYPE C1. Identifiers: Orphanet 646, MedGen C3179455, MONDO:0009757, OMIM 257220.

Submission:

Labcorp Genetics (formerly Invitae), Labcorp
Classification: Pathogenic for Niemann-Pick disease, type C1. Last evaluated: 2022-10-08. Review status: criteria provided, single submitter. Criteria: Invitae Variant Classification Sherloc (09022015). Collection method: clinical testing. Allele origin: germline.
Comment: For these reasons, this variant has been classified as Pathogenic. This variant has not been reported in the literature in individuals affected with NPC1-related conditions. This variant is not present in population databases (gnomAD no frequency). This sequence change creates a premature translational stop signal (p.Leu846Valfs*23) in the NPC1 gene. It is expected to result in an absent or disrupted protein product. Loss-of-function variants in NPC1 are known to be pathogenic (PMID: 9211850).

Literature cited by the submitters: PubMed 9211850.

NM_000271.5(NPC1):c.2536_2537del (p.Leu846fs)

Gene: NPC1 (NPC intracellular cholesterol transporter 1; minus strand). Cytogenetic location: 18q11.2.
Variant type: Deletion.
Coding change: c.2536_2537del on transcript NM_000271.5 (MANE Select); coding-DNA positions 2536 to 2537, 2 bases deleted (CT; older notation c.2536_2537delCT).
Protein change: p.Leu846fs; shifts the reading frame from leucine 846.
Molecular consequence: frameshift variant.
Genome position (GRCh38, 1-based): chr18:23,540,515-23,540,516, AG deleted on the plus strand (CT on the coding strand, the reverse complement: NPC1 is on the minus strand); deleting any 2 consecutive bases within chr18:23,540,515-23,540,517 gives the same sequence; the c. name uses the placement nearest the transcript's 3' end. VCF-style (leftmost placement, unchanged base first): chr18-23540514-CAG-C. GRCh37 (hg19) VCF-style: chr18-21120478-CAG-C.
Other names: short protein forms L846fs.
Identifiers: ClinVar variation 2034706 (VCV002034706.4), dbSNP rs2511218341, ClinGen allele CA2580095541.